The following is an entry in ClinVar:

NM_001378609.3(OTOGL):c.6465C>T (p.His2155=)

Gene: OTOGL (otogelin like; plus strand). Cytogenetic location: 12q21.31.
Variant type: single nucleotide variant.
Coding change: c.6465C>T on transcript NM_001378609.3 (MANE Select); coding-DNA position 6465, C replaced by T.
Protein change: p.His2155=; no amino-acid change (histidine 2155 retained).
Molecular consequence: synonymous variant.
Genome position (GRCh38, 1-based): chr12:80,367,694, C>T. VCF-style: chr12-80367694-C-T. GRCh37 (hg19) VCF-style: chr12-80761474-C-T.
Other names: c.6330C>T, p.His2110= (NM_001368062.3); c.6465C>T, p.His2155= (NM_001378610.3, NM_173591.7); c.6438C>T (NM_173591.3).
Identifiers: ClinVar variation 2904585 (VCV002904585.5), dbSNP rs977654642, ClinGen allele CA240246628.

ClinVar aggregate classification (germline): Likely benign. Review status: criteria provided, single submitter (1 of 4 stars). 2 submissions from 2 submitters: Likely benign (1). 1 of the submissions does not count toward it. Last evaluated 2023-12-01.

Conditions:
OTOGL-related disorder. Also called: OTOGL-related condition.

Allele frequency attached by ClinVar (database versions not stated): gnomAD exomes below 0.00001; TOPMed below 0.00001.
gnomAD v4.1: 1 of 1,463,794 alleles (0.000068%); highest among the groups gnomAD compares: Admixed American, 0.0027%; no homozygotes.

Submissions (2):

Labcorp Genetics (formerly Invitae), Labcorp
Classification: Likely benign. Last evaluated: 2023-12-01. Review status: criteria provided, single submitter. Criteria: Invitae Variant Classification Sherloc (09022015). Collection method: clinical testing. Allele origin: germline.

PreventionGenetics, part of Exact Sciences
Classification: Likely benign for OTOGL-related condition. Last evaluated: 2020-12-22. Review status: no assertion criteria provided. Collection method: clinical testing. Allele origin: germline. Not counted in ClinVar's aggregate classification.
Comment: This variant is classified as likely benign based on ACMG/AMP sequence variant interpretation guidelines (Richards et al. 2015 PMID: 25741868, with internal and published modifications).